The following is an entry in ClinVar:

ClinVar aggregate classification (germline): Likely benign. Review status: criteria provided, multiple submitters, no conflicts (2 of 4 stars). 3 submissions from 3 submitters: Likely benign (3). Last evaluated 2026-06-18.

Conditions:
BEST1-related disorder. Also called: BEST1-related disorders; BEST1-related condition. Identifiers: MedGen CN239200.

Allele frequency attached by ClinVar (database versions not stated): gnomAD 0.00004 and 0.00005; gnomAD exomes 0.00005 and 0.00013; TOPMed 0.00009; 1000 Genomes Project 30x 0.00016.
gnomAD v4.1: 185 of 1,544,850 alleles (0.012%); highest among the groups gnomAD compares: Non-Finnish European, 0.015%; no homozygotes.

Submissions (3):

PreventionGenetics, part of Exact Sciences
Classification: Likely benign for BEST1-related condition. Last evaluated: 2026-06-18. Review status: criteria provided, single submitter. Criteria: ACMG Guidelines, 2015. Collection method: clinical testing. Allele origin: germline.
Comment: This variant is classified as likely benign based on ACMG/AMP sequence variant interpretation guidelines (Richards et al. 2015 PMID: 25741868, with internal and published modifications).

Labcorp Genetics (formerly Invitae), Labcorp
Classification: Likely benign. Last evaluated: 2026-01-04. Review status: criteria provided, single submitter. Criteria: Invitae Variant Classification Sherloc (09022015). Collection method: clinical testing. Allele origin: germline.

Blueprint Genetics
Classification: Likely benign. Last evaluated: 2024-07-17. Review status: criteria provided, single submitter. Criteria: ACMG Guidelines, 2015. Collection method: clinical testing. Allele origin: germline.

NM_004183.4(BEST1):c.248-6G>A

Gene: BEST1 (bestrophin 1; plus strand). Cytogenetic location: 11q12.3.
Variant type: single nucleotide variant.
Coding change: c.248-6G>A on transcript NM_004183.4 (MANE Select); 6 bases into the intron before coding-DNA position 248, G replaced by A.
Molecular consequence: intron variant.
Genome position (GRCh38, 1-based): chr11:61,955,712, G>A. VCF-style: chr11-61955712-G-A. GRCh37 (hg19) VCF-style: chr11-61723184-G-A.
Other names: c.248-6G>A (NM_001363592.2, NM_001440571.1, NM_001440572.1 and 2 more transcripts); c.68-6G>A (NM_001139443.3, NM_001300787.2, NM_001440574.1 and 3 more transcripts); c.-928-6G>A (NM_001363593.3); c.-71-6G>A (NM_001363591.3).
Identifiers: ClinVar variation 1085167 (VCV001085167.9), dbSNP rs917945147, ClinGen allele CA222936196.
Genomic context (GRCh38, chr11:61,955,712, plus strand): 5'-CGCTGGGCCCTGGGCTCTGGCCGCAGCCTGGCCCCTCGCCCCTCGCCCCCCGCCCCTCCT[G>A]CCCAGGCTTCTACGTGACGCTGGTCGTGACCCGCTGGTGGAACCAGTACGAGAACCTGCC-3'